The following is an entry in ClinVar:

ClinVar aggregate classification (germline): Uncertain significance. Review status: criteria provided, multiple submitters, no conflicts (2 of 4 stars). 2 submissions from 2 submitters: Uncertain significance (2). Last evaluated 2026-01-26.

Allele frequency attached by ClinVar (database versions not stated): ESP Exome Variant Server 0.00008; gnomAD exomes 0.00010 and 0.00011; gnomAD 0.00013; TOPMed 0.00014; ExAC 0.00015; 1000 Genomes Project 30x 0.00031; 1000 Genomes Project 0.00040.

Submissions (2):

Labcorp Genetics (formerly Invitae), Labcorp
Classification: Uncertain significance. Last evaluated: 2026-01-26. Review status: criteria provided, single submitter. Criteria: Invitae Variant Classification Sherloc (09022015). Collection method: clinical testing. Allele origin: germline.
Comment: This sequence change replaces valine, which is neutral and non-polar, with methionine, which is neutral and non-polar, at codon 38 of the ITGAM protein (p.Val38Met). This variant is present in population databases (rs147195093, gnomAD 0.02%). This variant has not been reported in the literature in individuals affected with ITGAM-related conditions. ClinVar contains an entry for this variant (Variation ID: 1412109). An algorithm developed to predict the effect of missense changes on protein structure and function (PolyPhen-2) suggests that this variant is likely to be disruptive. In summary, the available evidence is currently insufficient to determine the role of this variant in disease. Therefore, it has been classified as a Variant of Uncertain Significance.

Ambry Genetics
Classification: Uncertain significance. Last evaluated: 2025-08-10. Review status: criteria provided, single submitter. Criteria: Ambry Variant Classification Scheme 2023. Collection method: clinical testing. Allele origin: germline.

NM_000632.4(ITGAM):c.112G>A (p.Val38Met)

Gene: ITGAM (integrin subunit alpha M; plus strand). Cytogenetic location: 16p11.2.
Variant type: single nucleotide variant.
Coding change: c.112G>A on transcript NM_000632.4 (MANE Select); coding-DNA position 112, G replaced by A.
Protein change: p.Val38Met; replaces valine 38 with methionine.
Molecular consequence: missense variant.
Genome position (GRCh38, 1-based): chr16:31,261,775, G>A. VCF-style: chr16-31261775-G-A. GRCh37 (hg19) VCF-style: chr16-31273096-G-A.
Other names: c.112G>A (NM_000632.3); c.112G>A, p.Val38Met (NM_001145808.2); short protein forms V38M.
Identifiers: ClinVar variation 1412109 (VCV001412109.9), dbSNP rs147195093, ClinGen allele CA8025108.